The following is an entry in ClinVar:

ClinVar aggregate classification (germline): Uncertain significance (1 of 4 stars; one submission).

Submission:

Labcorp Genetics (formerly Invitae), Labcorp
Classification: Uncertain significance. Last evaluated: 2026-01-05. Review status: criteria provided, single submitter. Criteria: Invitae Variant Classification Sherloc (09022015). Collection method: clinical testing. Allele origin: germline.
Comment: This sequence change replaces isoleucine, which is neutral and non-polar, with methionine, which is neutral and non-polar, at codon 159 of the CNTNAP1 protein (p.Ile159Met). This variant is not present in population databases (gnomAD no frequency). This variant has not been reported in the literature in individuals affected with CNTNAP1-related conditions. ClinVar contains an entry for this variant (Variation ID: 1998901). An algorithm developed to predict the effect of missense changes on protein structure and function (PolyPhen-2) suggests that this variant is likely to be disruptive. In summary, the available evidence is currently insufficient to determine the role of this variant in disease. Therefore, it has been classified as a Variant of Uncertain Significance.

NM_003632.3(CNTNAP1):c.477C>G (p.Ile159Met)

Gene: CNTNAP1 (contactin associated protein 1; plus strand). Cytogenetic location: 17q21.2.
Variant type: single nucleotide variant.
Coding change: c.477C>G on transcript NM_003632.3 (MANE Select); coding-DNA position 477, C replaced by G.
Protein change: p.Ile159Met; replaces isoleucine 159 with methionine.
Molecular consequence: missense variant.
Genome position (GRCh38, 1-based): chr17:42,685,104, C>G. VCF-style: chr17-42685104-C-G. GRCh37 (hg19) VCF-style: chr17-40837122-C-G.
Other names: short protein forms I159M.
Identifiers: ClinVar variation 1998901 (VCV001998901.4), dbSNP rs2543788175, ClinGen allele CA399633683.